The following is an entry in ClinVar:

ClinVar aggregate classification (germline): Uncertain significance (1 of 4 stars; one submission).

Conditions:
Developmental and epileptic encephalopathy, 32 (DEE32). Also called: Epileptic encephalopathy, early infantile, 32. Identifiers: Orphanet 442835, MedGen C4225350, MONDO:0014607, OMIM 616366.

gnomAD v4.1: 1 of 1,613,768 alleles (0.000062%); highest among the groups gnomAD compares: South Asian, 0.0011%; no homozygotes.

Submission:

Labcorp Genetics (formerly Invitae), Labcorp
Classification: Uncertain significance for Developmental and epileptic encephalopathy, 32. Last evaluated: 2024-10-24. Review status: criteria provided, single submitter. Criteria: Invitae Variant Classification Sherloc (09022015). Collection method: clinical testing. Allele origin: germline.
Comment: This sequence change replaces asparagine, which is neutral and polar, with serine, which is neutral and polar, at codon 481 of the KCNA2 protein (p.Asn481Ser). This variant is present in population databases (no rsID available, gnomAD 0.003%). This variant has not been reported in the literature in individuals affected with KCNA2-related conditions. Invitae Evidence Modeling of protein sequence and biophysical properties (such as structural, functional, and spatial information, amino acid conservation, physicochemical variation, residue mobility, and thermodynamic stability) indicates that this missense variant is not expected to disrupt KCNA2 protein function with a negative predictive value of 95%. In summary, the available evidence is currently insufficient to determine the role of this variant in disease. Therefore, it has been classified as a Variant of Uncertain Significance.

NM_004974.4(KCNA2):c.1442A>G (p.Asn481Ser)

Gene: KCNA2 (potassium voltage-gated channel subfamily A member 2; minus strand). Cytogenetic location: 1p13.3.
Variant type: single nucleotide variant.
Coding change: c.1442A>G on transcript NM_004974.4 (MANE Select); coding-DNA position 1442, A replaced by G.
Protein change: p.Asn481Ser; replaces asparagine 481 with serine.
Molecular consequence: missense variant. On other transcripts: intron variant (1).
Genome position (GRCh38, 1-based): chr1:110,603,341, T>C on the plus strand (A>G on the coding strand, the complement: KCNA2 is on the minus strand). VCF-style: chr1-110603341-T-C. GRCh37 (hg19) VCF-style: chr1-111145963-T-C.
Other names: c.894+548A>G (NM_001204269.2); short protein forms N481S.
Identifiers: ClinVar variation 3685822 (VCV003685822.2).